The following is an entry in ClinVar:

NM_175914.5(HNF4A):c.*1291TCCTCCCT[1]

Gene: HNF4A (hepatocyte nuclear factor 4 alpha; plus strand). Cytogenetic location: 20q13.12.
Variant type: Microsatellite.
Coding change: c.*1291TCCTCCCT[1] on transcript NM_175914.5 (MANE Select); one copy of the 8-base unit TCCTCCCT starting at c.*1291; the reference has two copies in a row; one copy, 8 bases deleted.
Molecular consequence: 3 prime UTR variant.
Genome position (GRCh38, 1-based): chr20:44,430,964-44,430,971, TCCTCCCT deleted; deleting any 8 consecutive bases within chr20:44,430,956-44,430,971 gives the same sequence; the position shown is the placement nearest the transcript's 3' end. VCF-style (leftmost placement, unchanged base first): chr20-44430955-ATCCTCCCT-A. GRCh37 (hg19) VCF-style: chr20-43059595-ATCCTCCCT-A.
Other names: c.*1291TCCTCCCT[1] (NM_000457.6, NM_001030003.3, NM_001258355.2 and 3 more transcripts).
Identifiers: ClinVar variation 338459 (VCV000338459.8), dbSNP rs3834658, ClinGen allele CA10652538.

ClinVar aggregate classification (germline): Conflicting classifications of pathogenicity. Review status: criteria provided, conflicting classifications (1 of 4 stars). 2 submissions from 2 submitters: Uncertain significance (1); Benign (1). Last evaluated 2021-05-31.

Conditions:
Maturity-onset diabetes of the young (MODY). Also called: Maturity onset diabetes mellitus in young. Identifiers: Orphanet 552, MedGen C0342276, MONDO:0018911, HP:0004904.

Submissions (2):

GeneDx
Classification: Benign. Last evaluated: 2021-05-31. Review status: criteria provided, single submitter. Criteria: GeneDx Variant Classification Process June 2021. Collection method: clinical testing. Allele origin: germline. Affected: yes.

Clinical Genomics, Uppaluri K&H Personalized Medicine Clinic
Classification: Uncertain significance for Maturity-onset diabetes of the young. Review status: criteria provided, single submitter. Criteria: K & H Uppaluri Personalized Medicine Clinic Variant Classification & Assertion Criteria_Updated V.1. Collection method: research. Allele origin: unknown. Inheritance: Autosomal dominant inheritance. Affected: no.
Comment: Potent mutations in HNF4A are associated with poor insulin secretion in response to hyperglycemia. Associated with MODY1. Patients initially respond well to sulfonylureas but eventually become insulin dependent. However, more evidence is required to ascertain the role of this particular variant rs3834658 in MODY, yet.

Literature cited by the submitters: DOI 10.1159/000334532 (cited by Clinical Genomics, Uppaluri K&H Personalized Medicine Clinic); PubMed 18268044 (cited by Clinical Genomics, Uppaluri K&H Personalized Medicine Clinic); PubMed 17563455 (cited by Clinical Genomics, Uppaluri K&H Personalized Medicine Clinic); PubMed 32583173 (cited by Clinical Genomics, Uppaluri K&H Personalized Medicine Clinic); PubMed 35052457 (cited by Clinical Genomics, Uppaluri K&H Personalized Medicine Clinic); PubMed 35118593 (cited by Clinical Genomics, Uppaluri K&H Personalized Medicine Clinic).